The following is an entry in ClinVar:

NM_002563.5(P2RY1):c.859C>T (p.Arg287Trp)

Gene: P2RY1 (purinergic receptor P2Y1; plus strand). Cytogenetic location: 3q25.2.
Variant type: single nucleotide variant.
Coding change: c.859C>T on transcript NM_002563.5 (MANE Select); coding-DNA position 859, C replaced by T.
Protein change: p.Arg287Trp; replaces arginine 287 with tryptophan.
Molecular consequence: missense variant.
Genome position (GRCh38, 1-based): chr3:152,836,641, C>T. VCF-style: chr3-152836641-C-T. GRCh37 (hg19) VCF-style: chr3-152554430-C-T.
Other names: p.Arg287Trp; short protein forms R287W.
Identifiers: ClinVar variation 4540941 (VCV004540941.1).

ClinVar aggregate classification (germline): Uncertain significance (1 of 4 stars; one submission).

Submission:

Mayo Clinic Laboratories, Mayo Clinic
Classification: Uncertain significance. Last evaluated: 2024-12-09. Review status: criteria provided, single submitter. Criteria: ACMG Guidelines, 2015. Collection method: clinical testing. Allele origin: germline. Observed: 1 variant allele.
Comment: PM1, PM2_supporting

Literature cited by the submitters: PubMed 25822790.